The following is an entry in ClinVar:

NM_004260.4(RECQL4):c.1970C>T (p.Ala657Val)

Gene: RECQL4 (RecQ like helicase 4; minus strand). Cytogenetic location: 8q24.3.
Variant type: single nucleotide variant.
Coding change: c.1970C>T on transcript NM_004260.4 (MANE Select); coding-DNA position 1970, C replaced by T.
Protein change: p.Ala657Val; replaces alanine 657 with valine.
Molecular consequence: missense variant.
Genome position (GRCh38, 1-based): chr8:144,514,016, G>A on the plus strand (C>T on the coding strand, the complement: RECQL4 is on the minus strand). VCF-style: chr8-144514016-G-A. GRCh37 (hg19) VCF-style: chr8-145739400-G-A.
Other names: short protein forms A657V.
Identifiers: ClinVar variation 940242 (VCV000940242.7), dbSNP rs1279119304, ClinGen allele CA372680390.

ClinVar aggregate classification (germline): Uncertain significance. Review status: criteria provided, multiple submitters, no conflicts (2 of 4 stars). 2 submissions from 2 submitters: Uncertain significance (2). Last evaluated 2025-02-26.

Conditions:
Inborn genetic diseases. Identifiers: MedGen C0950123, MeSH D030342.
Baller-Gerold syndrome (BGS). Also called: CRANIOSYNOSTOSIS WITH RADIAL DEFECTS. Identifiers: Orphanet 1225, MedGen C0265308, MONDO:0009039, OMIM 218600.

Allele frequency attached by ClinVar (database versions not stated): gnomAD exomes below 0.00001; gnomAD 0.00001; TOPMed 0.00001.
gnomAD v4.1: 4 of 1,571,076 alleles (0.00025%); highest among the groups gnomAD compares: Admixed American, 0.0019%; no homozygotes.

Submissions (2):

Ambry Genetics
Classification: Uncertain significance for Inborn genetic diseases. Last evaluated: 2025-02-26. Review status: criteria provided, single submitter. Criteria: Ambry Variant Classification Scheme 2023. Collection method: clinical testing. Allele origin: germline.
Comment: The p.A657V variant (also known as c.1970C>T), located in coding exon 12 of the RECQL4 gene, results from a C to T substitution at nucleotide position 1970. The alanine at codon 657 is replaced by valine, an amino acid with similar properties. This amino acid position is conserved. In addition, this alteration is predicted to be tolerated by in silico analysis. Based on the available evidence, the clinical significance of this variant remains unclear.

Labcorp Genetics (formerly Invitae), Labcorp
Classification: Uncertain significance for Baller-Gerold syndrome. Last evaluated: 2023-03-15. Review status: criteria provided, single submitter. Criteria: Invitae Variant Classification Sherloc (09022015). Collection method: clinical testing. Allele origin: germline.
Comment: This sequence change replaces alanine, which is neutral and non-polar, with valine, which is neutral and non-polar, at codon 657 of the RECQL4 protein (p.Ala657Val). The frequency data for this variant in the population databases is considered unreliable, as metrics indicate poor data quality at this position in the gnomAD database. In summary, the available evidence is currently insufficient to determine the role of this variant in disease. Therefore, it has been classified as a Variant of Uncertain Significance. Advanced modeling of protein sequence and biophysical properties (such as structural, functional, and spatial information, amino acid conservation, physicochemical variation, residue mobility, and thermodynamic stability) performed at Invitae indicates that this missense variant is not expected to disrupt RECQL4 protein function. ClinVar contains an entry for this variant (Variation ID: 940242). This variant has not been reported in the literature in individuals affected with RECQL4-related conditions.